The following is an entry in ClinVar:

NM_014639.4(SKIC3):c.4638del (p.Thr1548fs)

Gene: SKIC3 (SKI3 subunit of superkiller complex; minus strand). Cytogenetic location: 5q15.
Variant type: Deletion.
Coding change: c.4638del on transcript NM_014639.4 (MANE Select); coding-DNA position 4638, one base deleted (C; older notation c.4638delC).
Protein change: p.Thr1548fs; shifts the reading frame from threonine 1548.
Molecular consequence: frameshift variant.
Genome position (GRCh38, 1-based): chr5:95,464,664, G deleted on the plus strand (C on the coding strand, the reverse complement: SKIC3 is on the minus strand); the first of 2 consecutive G bases (chr5:95,464,664-95,464,665); deleting either gives the same sequence. VCF-style (leftmost placement, unchanged base first): chr5-95464663-TG-T. GRCh37 (hg19) VCF-style: chr5-94800367-TG-T.
Other names: short protein forms T1548fs.
Identifiers: ClinVar variation 1918081 (VCV001918081.2), dbSNP rs1272159412, ClinGen allele CA561275802.

ClinVar aggregate classification (germline): Uncertain significance (1 of 4 stars; one submission).

Submission:

Labcorp Genetics (formerly Invitae), Labcorp
Classification: Uncertain significance. Last evaluated: 2022-08-19. Review status: criteria provided, single submitter. Criteria: Invitae Variant Classification Sherloc (09022015). Collection method: clinical testing. Allele origin: germline.
Comment: This sequence change creates a premature translational stop signal (p.Thr1548Leufs*10) in the TTC37 gene. While this is not anticipated to result in nonsense mediated decay, it is expected to disrupt the last 17 amino acid(s) of the TTC37 protein. This variant is present in population databases (no rsID available, gnomAD 0.009%). This variant has not been reported in the literature in individuals affected with TTC37-related conditions. Experimental studies and prediction algorithms are not available or were not evaluated, and the functional significance of this variant is currently unknown. In summary, the available evidence is currently insufficient to determine the role of this variant in disease. Therefore, it has been classified as a Variant of Uncertain Significance.